The following is an entry in ClinVar:

NM_001605.3(AARS1):c.1618_1619dup (p.Gln541fs)

Gene: AARS1 (alanyl-tRNA synthetase 1; minus strand). Cytogenetic location: 16q22.1.
Variant type: Duplication.
Coding change: c.1618_1619dup on transcript NM_001605.3 (MANE Select); coding-DNA positions 1618 to 1619, 2 bases duplicated (GG; older notation c.1618_1619dupGG).
Protein change: p.Gln541fs; shifts the reading frame from glutamine 541.
Molecular consequence: frameshift variant.
Genome position (GRCh38, 1-based): chr16:70,262,398-70,262,399, CC duplicated on the plus strand (GG on the coding strand, the reverse complement: AARS1 is on the minus strand). VCF-style (leftmost placement, unchanged base first): chr16-70262397-G-GCC. GRCh37 (hg19) VCF-style: chr16-70296300-G-GCC.
Other names: c.1618_1619dupGG (NM_001605.2); short protein forms Q541fs.
Identifiers: ClinVar variation 577403 (VCV000577403.6), dbSNP rs1567604571, ClinGen allele CA891844037.

ClinVar aggregate classification (germline): Pathogenic (1 of 4 stars; one submission).

Conditions:
Charcot-Marie-Tooth disease type 2. Also called: Charcot-Marie-Tooth type 2. Identifiers: Orphanet 64746, MedGen C0270914, MONDO:0018993.

Submission:

Labcorp Genetics (formerly Invitae), Labcorp
Classification: Pathogenic for Charcot-Marie-Tooth disease type 2. Last evaluated: 2023-05-12. Review status: criteria provided, single submitter. Criteria: Invitae Variant Classification Sherloc (09022015). Collection method: clinical testing. Allele origin: germline.
Comment: For these reasons, this variant has been classified as Pathogenic. ClinVar contains an entry for this variant (Variation ID: 577403). This variant has not been reported in the literature in individuals affected with AARS-related conditions. This variant is not present in population databases (gnomAD no frequency). This sequence change creates a premature translational stop signal (p.Gln541Alafs*10) in the AARS gene. It is expected to result in an absent or disrupted protein product. Loss-of-function variants in AARS are known to be pathogenic (PMID: 25817015, 28493438, 34446925).

Literature cited by the submitters: PubMed 25817015; PubMed 28493438; PubMed 34446925.